The following is an entry in ClinVar:

NM_001267550.2(TTN):c.32554+1G>C

Gene: TTN (titin; minus strand). Cytogenetic location: 2q31.2.
Variant type: single nucleotide variant.
Coding change: c.32554+1G>C on transcript NM_001267550.2 (MANE Select); the canonical splice donor site of the intron after coding-DNA position 32554, G replaced by C.
Molecular consequence: splice donor variant. On other transcripts: intron variant (3).
Genome position (GRCh38, 1-based): chr2:178,684,905, C>G on the plus strand (G>C on the coding strand, the complement: TTN is on the minus strand). VCF-style: chr2-178684905-C-G. GRCh37 (hg19) VCF-style: chr2-179549632-C-G.
Other names: c.32554+1G>C (LRG_391t1); c.13283-42588G>C (NM_003319.4); c.13859-42588G>C (NM_133437.4); c.13658-42588G>C (NM_133432.3); c.28822+1G>C (NM_133378.4); c.31603+1G>C (NM_001256850.1).
Identifiers: ClinVar variation 223336 (VCV000223336.3), dbSNP rs376018437, ClinGen allele CA199270.

ClinVar aggregate classification (germline): Conflicting classifications of pathogenicity. Review status: criteria provided, conflicting classifications (1 of 4 stars). 2 submissions from 2 submitters: Likely pathogenic (1); Uncertain significance (1). Last evaluated 2024-07-31.

Conditions:
Dilated cardiomyopathy 1G (CMD1G). Identifiers: Orphanet 154, MedGen C1858763, MONDO:0011400, OMIM 604145.
Autosomal recessive limb-girdle muscular dystrophy type 2J (LGMDR10). Also called: Limb-girdle muscular dystrophy, type 2J; MUSCULAR DYSTROPHY, LIMB-GIRDLE, AUTOSOMAL RECESSIVE 10. Identifiers: Orphanet 140922, MedGen C1837342, MONDO:0012127, OMIM 608807.
Primary dilated cardiomyopathy (DCM). Also called: Dilated Cardiomyopathy. Identifiers: Orphanet 217604, MedGen C0007193, MeSH D002311, MONDO:0005021, HP:0001644. Inheritance: Various modes of inheritance.

Submissions (2):

Labcorp Genetics (formerly Invitae), Labcorp
Classification: Likely pathogenic for Dilated cardiomyopathy 1G; Autosomal recessive limb-girdle muscular dystrophy type 2J. Last evaluated: 2024-07-31. Review status: criteria provided, single submitter. Criteria: Invitae Variant Classification Sherloc (09022015). Collection method: clinical testing. Allele origin: germline.
Comment: This sequence change affects a donor splice site in intron 130 of the TTN gene. It is expected to disrupt RNA splicing and likely results in a truncated or disrupted TTN protein. This variant is not present in population databases (gnomAD no frequency). This variant has not been reported in the literature in individuals affected with TTN-related conditions. ClinVar contains an entry for this variant (Variation ID: 223336). Algorithms developed to predict the effect of sequence changes on RNA splicing suggest that this variant may disrupt the consensus splice site. This variant is located in the I band of TTN (PMID: 25589632). Truncating variants in this region have been reported in individuals affected with autosomal recessive centronuclear myopathy (PMID: 23975875, Invitae internal data). Truncating variants in this region have also been identified in individuals affected with autosomal dominant dilated cardiomyopathy and/or cardio-related conditions (PMID: 27869827, 32964742, Invitae internal data). In summary, the currently available evidence indicates that the variant is pathogenic, but additional data are needed to prove that conclusively. Therefore, this variant has been classified as Likely Pathogenic.

Cardiovascular Biomedical Research Unit, Royal Brompton & Harefield NHS Foundation Trust
Classification: Uncertain significance for Primary dilated cardiomyopathy. Last evaluated: 2014-10-08. Review status: criteria provided, single submitter. Criteria: Roberts et al. 2015. Collection method: research. Allele origin: germline. Inheritance: Autosomal dominant inheritance. Affected: no. Observed: 1 variant allele. Study: Healthy Volunteers.
Comment: This TTN truncating variant (TTNtv) was identified in one individual in this cohort and is located in an exon with low levels of cardiac expression. In the seven cohorts assessed, TTNtv were found in 14% of ambulant DCM, 22% end-stage or familial DCM, and 2% controls. Heterozygous nonsense, frameshift and canonical splice-disrupting variants found in constitutive and other highly utilised exons are highly likely to be pathogenic when identified in individuals with phenotypically confirmed DCM. TTNtv found incidentally in healthy individuals (excluding familial assessment of DCM relatives) are thought to have low penetrance, particularly when identified in exons that are not constitutively expressed in the heart.

Literature cited by the submitters: PubMed 25589632 (cited by Labcorp Genetics (formerly Invitae), Labcorp); PubMed 23975875 (cited by Labcorp Genetics (formerly Invitae), Labcorp); PubMed 27869827 (cited by Labcorp Genetics (formerly Invitae), Labcorp); PubMed 32964742 (cited by Labcorp Genetics (formerly Invitae), Labcorp).